The following is an entry in ClinVar:

ClinVar aggregate classification (germline): Uncertain significance (1 of 4 stars; one submission).

Allele frequency attached by ClinVar (database versions not stated): gnomAD exomes 0.00001; TOPMed 0.00002; gnomAD 0.00003.
gnomAD v4.1: 9 of 1,600,424 alleles (0.00056%); highest among the groups gnomAD compares: African/African-American, 0.0081%; no homozygotes.

Submission:

Labcorp Genetics (formerly Invitae), Labcorp
Classification: Uncertain significance. Last evaluated: 2022-03-06. Review status: criteria provided, single submitter. Criteria: Invitae Variant Classification Sherloc (09022015). Collection method: clinical testing. Allele origin: germline.
Comment: This sequence change replaces serine, which is neutral and polar, with asparagine, which is neutral and polar, at codon 203 of the C11orf70 protein (p.Ser203Asn). This variant also falls at the last nucleotide of exon 5, which is part of the consensus splice site for this exon. The frequency data for this variant in the population databases is considered unreliable, as metrics indicate poor data quality at this position in the gnomAD database. This variant has not been reported in the literature in individuals affected with C11orf70-related conditions. Algorithms developed to predict the effect of missense changes on protein structure and function (SIFT, PolyPhen-2, Align-GVGD) all suggest that this variant is likely to be disruptive. Variants that disrupt the consensus splice site are a relatively common cause of aberrant splicing (PMID: 17576681, 9536098). Algorithms developed to predict the effect of sequence changes on RNA splicing suggest that this variant may disrupt the consensus splice site. In summary, the available evidence is currently insufficient to determine the role of this variant in disease. Therefore, it has been classified as a Variant of Uncertain Significance.

Literature cited by the submitters: PubMed 17576681; PubMed 9536098.

NM_032930.3(CFAP300):c.608G>A (p.Ser203Asn)

Gene: CFAP300 (cilia and flagella associated protein 300; plus strand). Cytogenetic location: 11q22.1.
Variant type: single nucleotide variant.
Coding change: c.608G>A on transcript NM_032930.3 (MANE Select); coding-DNA position 608, G replaced by A.
Protein change: p.Ser203Asn; replaces serine 203 with asparagine.
Molecular consequence: missense variant. On other transcripts: 3 prime UTR variant (1), intron variant (1).
Genome position (GRCh38, 1-based): chr11:102,076,045, G>A. VCF-style: chr11-102076045-G-A. GRCh37 (hg19) VCF-style: chr11-101946776-G-A.
Other names: c.*141G>A (NM_001195005.2); c.603+5G>A (NM_001363505.2); short protein forms S203N.
Identifiers: ClinVar variation 1930379 (VCV001930379.2), dbSNP rs1374712469, ClinGen allele CA382489848.